The following is an entry in ClinVar:

NM_001376.5(DYNC1H1):c.13123G>A (p.Ala4375Thr)

Gene: DYNC1H1 (dynein cytoplasmic 1 heavy chain 1; plus strand). Cytogenetic location: 14q32.31.
Variant type: single nucleotide variant.
Coding change: c.13123G>A on transcript NM_001376.5 (MANE Select); coding-DNA position 13123, G replaced by A.
Protein change: p.Ala4375Thr; replaces alanine 4375 with threonine.
Molecular consequence: missense variant.
Genome position (GRCh38, 1-based): chr14:102,047,933, G>A. VCF-style: chr14-102047933-G-A. GRCh37 (hg19) VCF-style: chr14-102514270-G-A.
Other names: short protein forms A4375T.
Identifiers: ClinVar variation 1516061 (VCV001516061.9), dbSNP rs1472613465, ClinGen allele CA391046260.

ClinVar aggregate classification (germline): Uncertain significance. Review status: criteria provided, multiple submitters, no conflicts (2 of 4 stars). 2 submissions from 2 submitters: Uncertain significance (2). Last evaluated 2022-05-16.

Conditions:
Charcot-Marie-Tooth disease axonal type 2O. Also called: CHARCOT-MARIE-TOOTH NEUROPATHY, AXONAL, TYPE 2O; CHARCOT-MARIE-TOOTH DISEASE, AXONAL, AUTOSOMAL DOMINANT, TYPE 2O; Charcot-Marie-Tooth disease, axonal, type 20; Charcot-Marie-Tooth Neuropathy Type 2O. Identifiers: Orphanet 284232, MedGen C3280220, MONDO:0013644, OMIM 614228.

Submissions (2):

GeneDx
Classification: Uncertain significance. Last evaluated: 2022-05-16. Review status: criteria provided, single submitter. Criteria: GeneDx Variant Classification Process June 2021. Collection method: clinical testing. Allele origin: germline. Affected: yes.
Comment: Not observed at significant frequency in large population cohorts (gnomAD); In silico analysis supports that this missense variant does not alter protein structure/function; Has not been previously published as pathogenic or benign to our knowledge; This variant is associated with the following publications: (PMID: 25512093, 25609763, 26100331)

Labcorp Genetics (formerly Invitae), Labcorp
Classification: Uncertain significance for Charcot-Marie-Tooth disease axonal type 2O. Last evaluated: 2021-03-12. Review status: criteria provided, single submitter. Criteria: Invitae Variant Classification Sherloc (09022015). Collection method: clinical testing. Allele origin: germline.
Comment: This sequence change replaces alanine with threonine at codon 4375 of the DYNC1H1 protein (p.Ala4375Thr). The alanine residue is highly conserved and there is a small physicochemical difference between alanine and threonine. This variant is not present in population databases (ExAC no frequency). This variant has not been reported in the literature in individuals with DYNC1H1-related conditions. Advanced modeling of protein sequence and biophysical properties (such as structural, functional, and spatial information, amino acid conservation, physicochemical variation, residue mobility, and thermodynamic stability) performed at Invitae indicates that this missense variant is not expected to disrupt DYNC1H1 protein function. In summary, the available evidence is currently insufficient to determine the role of this variant in disease. Therefore, it has been classified as a Variant of Uncertain Significance.